The following is an entry in ClinVar:

NM_000466.3(PEX1):c.1900+7G>A

Gene: PEX1 (peroxisomal biogenesis factor 1; minus strand). Cytogenetic location: 7q21.2.
Variant type: single nucleotide variant.
Coding change: c.1900+7G>A on transcript NM_000466.3 (MANE Select); 7 bases into the intron after coding-DNA position 1900, G replaced by A.
Molecular consequence: intron variant.
Genome position (GRCh38, 1-based): chr7:92,506,241, C>T on the plus strand (G>A on the coding strand, the complement: PEX1 is on the minus strand). VCF-style: chr7-92506241-C-T. GRCh37 (hg19) VCF-style: chr7-92135555-C-T.
Other names: c.1900+7G>A (NM_001282677.2, NM_000466.2); c.1276+7G>A (NM_001282678.2).
Identifiers: ClinVar variation 1082606 (VCV001082606.10), dbSNP rs1474660103, ClinGen allele CA576305543.
Genomic context (GRCh38, chr7:92,506,241, plus strand): 5'-ATTATGTATAACATTCCTGTCTTTCTAATGAAAAAGGGATTTATATAGAGTGTTACCATA[C>T]TCATACCTCGTAAAGCTTTACAGTCAACTCTCTCCACATGGGCATCCAGTTTGTCAAATG-3'

ClinVar aggregate classification (germline): Likely benign. Review status: criteria provided, multiple submitters, no conflicts (2 of 4 stars). 2 submissions from 2 submitters: Likely benign (2). Last evaluated 2025-11-10.

Conditions:
PEX1-related disorder. Also called: PEX1-related condition.
Zellweger spectrum disorders (ZS). Also called: Zellweger Spectrum Disorder; Zellweger Spectrum; Zellweger syndrome; Zellweger Spectrum Disorder (ZSD). Identifiers: Orphanet 912, MedGen C0043459, MONDO:0019609.

Allele frequency attached by ClinVar (database versions not stated): gnomAD exomes 0.00001 and 0.00002; gnomAD 0.00002 and 0.00003; TOPMed 0.00002.
gnomAD v4.1: 24 of 1,481,990 alleles (0.0016%); highest among the groups gnomAD compares: South Asian, 0.0023%; no homozygotes.

Submissions (2):

PreventionGenetics, part of Exact Sciences
Classification: Likely benign for PEX1-related condition. Last evaluated: 2025-11-10. Review status: criteria provided, single submitter. Criteria: ACMG Guidelines, 2015. Collection method: clinical testing. Allele origin: germline.
Comment: This variant is classified as likely benign based on ACMG/AMP sequence variant interpretation guidelines (Richards et al. 2015 PMID: 25741868, with internal and published modifications).

Labcorp Genetics (formerly Invitae), Labcorp
Classification: Likely benign for Zellweger spectrum disorders. Last evaluated: 2025-10-03. Review status: criteria provided, single submitter. Criteria: Invitae Variant Classification Sherloc (09022015). Collection method: clinical testing. Allele origin: germline.